The following is an entry in ClinVar:

ClinVar aggregate classification (germline): Pathogenic (1 of 4 stars; one submission).

Submission:

Labcorp Genetics (formerly Invitae), Labcorp
Classification: Pathogenic. Last evaluated: 2025-01-06. Review status: criteria provided, single submitter. Criteria: Invitae Variant Classification Sherloc (09022015). Collection method: clinical testing. Allele origin: germline.
Comment: This sequence change creates a premature translational stop signal (p.Glu1474Serfs*8) in the COL2A1 gene. While this is not anticipated to result in nonsense mediated decay, it is expected to disrupt the last 14 amino acid(s) of the COL2A1 protein. This variant is not present in population databases (gnomAD no frequency). This variant has not been reported in the literature in individuals affected with COL2A1-related conditions. This variant disrupts a region of the COL2A1 protein in which other variant(s) (p.Phe1486del) have been determined to be pathogenic (PMID: 22495950; internal data). This suggests that this is a clinically significant region of the protein, and that variants that disrupt it are likely to be disease-causing. For these reasons, this variant has been classified as Pathogenic.

Literature cited by the submitters: PubMed 22495950.

NM_001844.5(COL2A1):c.4413del (p.Glu1474fs)

Gene: COL2A1 (collagen type II alpha 1 chain; minus strand). Cytogenetic location: 12q13.11.
Variant type: Deletion.
Coding change: c.4413del on transcript NM_001844.5 (MANE Select); coding-DNA position 4413, one base deleted (A; older notation c.4413delA).
Protein change: p.Glu1474fs; shifts the reading frame from glutamic acid 1474.
Molecular consequence: frameshift variant.
Genome position (GRCh38, 1-based): chr12:47,973,458, T deleted on the plus strand (A on the coding strand, the reverse complement: COL2A1 is on the minus strand). VCF-style (leftmost placement, unchanged base first): chr12-47973457-CT-C. GRCh37 (hg19) VCF-style: chr12-48367240-CT-C.
Other names: c.4206del, p.Glu1405fs (NM_033150.3); short protein forms E1474fs, E1405fs.
Identifiers: ClinVar variation 3726306 (VCV003726306.2).
Genomic context (GRCh38, chr12:47,973,457, plus strand): 5'-GTTCAGGTTTTTACAAGAAGCAGACCGGCCCTATGTCCACACCGAATTCCTGCTCGGGCC[CT>C]CCTATGTCCATGGGTGCAATGTCAATGATGGGGAGGCGTGAGGTCTTCTGTGACCGGTAC-3'